The following is an entry in ClinVar:

NM_004456.5(EZH2):c.2195+4G>A

Gene: EZH2 (enhancer of zeste 2 polycomb repressive complex 2 subunit; minus strand). Cytogenetic location: 7q36.1.
Variant type: single nucleotide variant.
Coding change: c.2195+4G>A on transcript NM_004456.5 (MANE Select); 4 bases into the intron after coding-DNA position 2195, G replaced by A.
Molecular consequence: intron variant.
Genome position (GRCh38, 1-based): chr7:148,809,067, C>T on the plus strand (G>A on the coding strand, the complement: EZH2 is on the minus strand). VCF-style: chr7-148809067-C-T. GRCh37 (hg19) VCF-style: chr7-148506159-C-T.
Other names: c.2153+4G>A (NM_001203248.2); c.2063+4G>A (NM_152998.3); c.2180+4G>A (NM_001203247.2); c.2027+4G>A (NM_001203249.2).
Identifiers: ClinVar variation 957260 (VCV000957260.10), dbSNP rs1392250326, ClinGen allele CA578959385.
Genomic context (GRCh38, chr7:148,809,067, plus strand): 5'-TCCAGAGTTCACAATCCAGTAGAAAAAGCCCTTAGAGATCATGCTAGAAATGTACTTTAC[C>T]AACCTGTAATCAAAAAACAGCTCTTCGCCAGTCTGGATGGCTCTCTTGGCAAAAATACCT-3'

ClinVar aggregate classification (germline): Uncertain significance (1 of 4 stars; one submission).

Conditions:
Weaver syndrome (WVS). Also called: Weaver Smith syndrome; Overgrowth syndrome with accelerated skeletal maturation, unusual facies, and camptodactyly. Identifiers: Orphanet 3447, MedGen C0265210, MONDO:0010193, OMIM 277590.

Allele frequency attached by ClinVar (database versions not stated): gnomAD exomes below 0.00001.
gnomAD v4.1: 1 of 1,612,856 alleles (0.000062%); highest among the groups gnomAD compares: Non-Finnish European, 0.000085%; no homozygotes.

Submission:

Labcorp Genetics (formerly Invitae), Labcorp
Classification: Uncertain significance for Weaver syndrome. Last evaluated: 2022-06-27. Review status: criteria provided, single submitter. Criteria: Invitae Variant Classification Sherloc (09022015). Collection method: clinical testing. Allele origin: germline.
Comment: Variants that disrupt the consensus splice site are a relatively common cause of aberrant splicing (PMID: 17576681, 9536098). Algorithms developed to predict the effect of sequence changes on RNA splicing suggest that this variant is not likely to affect RNA splicing. In summary, the available evidence is currently insufficient to determine the role of this variant in disease. Therefore, it has been classified as a Variant of Uncertain Significance. ClinVar contains an entry for this variant (Variation ID: 957260). This variant has not been reported in the literature in individuals affected with EZH2-related conditions. This variant is present in population databases (no rsID available, gnomAD 0.0009%). This sequence change falls in intron 19 of the EZH2 gene. It does not directly change the encoded amino acid sequence of the EZH2 protein. It affects a nucleotide within the consensus splice site.

Literature cited by the submitters: PubMed 17576681; PubMed 9536098.